The following is an entry in ClinVar:

ClinVar aggregate classification (germline): Uncertain significance. Review status: criteria provided, multiple submitters, no conflicts (2 of 4 stars). 2 submissions from 2 submitters: Uncertain significance (2). Last evaluated 2024-03-30.

Conditions:
Inborn genetic diseases. Identifiers: MedGen C0950123, MeSH D030342.
Epidermolysis bullosa simplex with nail dystrophy (EBS5D). Identifiers: MedGen C4225309, MONDO:0014661, OMIM 616487.
Epidermolysis bullosa simplex 5B, with muscular dystrophy (EBS5B). Also called: EPIDERMOLYSIS BULLOSA SIMPLEX AND LIMB-GIRDLE MUSCULAR DYSTROPHY; Epidermolysis bullosa simplex with muscular dystrophy. Identifiers: Orphanet 257, MedGen C2931072, MONDO:0009181, OMIM 226670.
Epidermolysis bullosa simplex, Ogna type (EBS5A). Also called: Pidermolysis bullosa simplex 5A, Ogna type; EPIDERMOLYSIS BULLOSA SIMPLEX 5A, OGNA TYPE. Identifiers: Orphanet 79401, MedGen C0432317, MONDO:0007555, OMIM 131950.
Epidermolysis bullosa simplex 5C, with pyloric atresia (EBS5C). Also called: PLEC-Related Epidermolysis Bullosa with Pyloric Atresia; Epidermolysis bullosa simplex with pyloric atresia; PLEC1-Related Epidermolysis Bullosa with Pyloric Atresia. Identifiers: Orphanet 158684, MedGen C2677349, MONDO:0012807, OMIM 612138.
Autosomal recessive limb-girdle muscular dystrophy type 2Q (LGMDR17). Also called: MUSCULAR DYSTROPHY, LIMB-GIRDLE, AUTOSOMAL RECESSIVE 17. Identifiers: Orphanet 254361, MedGen C3150989, MONDO:0013390, OMIM 613723.

Allele frequency attached by ClinVar (database versions not stated): gnomAD exomes below 0.00001.
gnomAD v4.1: 5 of 1,612,704 alleles (0.00031%); highest among the groups gnomAD compares: South Asian, 0.0055%; no homozygotes.

Submissions (2):

Ambry Genetics
Classification: Uncertain significance for Inborn genetic diseases. Last evaluated: 2024-03-30. Review status: criteria provided, single submitter. Criteria: Ambry Variant Classification Scheme 2023. Collection method: clinical testing. Allele origin: germline.

Labcorp Genetics (formerly Invitae), Labcorp
Classification: Uncertain significance for Autosomal recessive limb-girdle muscular dystrophy type 2Q; Epidermolysis bullosa simplex, Ogna type; Epidermolysis bullosa simplex with nail dystrophy; Epidermolysis bullosa simplex 5C, with pyloric atresia; Epidermolysis bullosa simplex 5B, with muscular dystrophy. Last evaluated: 2020-03-26. Review status: criteria provided, single submitter. Criteria: Invitae Variant Classification Sherloc (09022015). Collection method: clinical testing. Allele origin: germline.
Comment: In summary, the available evidence is currently insufficient to determine the role of this variant in disease. Therefore, it has been classified as a Variant of Uncertain Significance. Algorithms developed to predict the effect of missense changes on protein structure and function output the following: SIFT: "Tolerated"; PolyPhen-2: "Benign"; Align-GVGD: "Class C0". The alanine amino acid residue is found in multiple mammalian species, suggesting that this missense change does not adversely affect protein function. These predictions have not been confirmed by published functional studies and their clinical significance is uncertain. This variant has not been reported in the literature in individuals with PLEC-related conditions. This variant is not present in population databases (ExAC no frequency). This sequence change replaces threonine with alanine at codon 4360 of the PLEC protein (p.Thr4360Ala). The threonine residue is highly conserved and there is a small physicochemical difference between threonine and alanine.

NM_201384.3(PLEC):c.12997A>G (p.Thr4333Ala)

Gene: PLEC (plectin; minus strand). Cytogenetic location: 8q24.3.
Variant type: single nucleotide variant.
Coding change: c.12997A>G on transcript NM_201384.3 (MANE Select); coding-DNA position 12997, A replaced by G.
Protein change: p.Thr4333Ala; replaces threonine 4333 with alanine.
Molecular consequence: missense variant.
Genome position (GRCh38, 1-based): chr8:143,916,824, T>C on the plus strand (A>G on the coding strand, the complement: PLEC is on the minus strand). VCF-style: chr8-143916824-T-C. GRCh37 (hg19) VCF-style: chr8-144990992-T-C.
Other names: c.13078A>G, p.Thr4360Ala (NM_000445.5); c.12955A>G, p.Thr4319Ala (NM_201378.4); c.12931A>G, p.Thr4311Ala (NM_201379.3); c.13408A>G, p.Thr4470Ala (NM_201380.4); c.12901A>G, p.Thr4301Ala (NM_201381.3); c.12997A>G, p.Thr4333Ala (NM_201382.4); c.13009A>G, p.Thr4337Ala (NM_201383.3); c.13078A>G (NM_000445.3); short protein forms T4301A, T4311A, T4319A, T4333A, T4337A, T4360A, T4470A.
Identifiers: ClinVar variation 1023627 (VCV001023627.10), dbSNP rs1554670189, ClinGen allele CA372477450.